The following is an entry in ClinVar:

NM_005475.3(SH2B3):c.1414T>C (p.Cys472Arg)

Gene: SH2B3 (SH2B adaptor protein 3; plus strand). Cytogenetic location: 12q24.12.
Variant type: single nucleotide variant.
Coding change: c.1414T>C on transcript NM_005475.3 (MANE Select); coding-DNA position 1414, T replaced by C.
Protein change: p.Cys472Arg; replaces cysteine 472 with arginine.
Molecular consequence: missense variant.
Genome position (GRCh38, 1-based): chr12:111,447,988, T>C. VCF-style: chr12-111447988-T-C. GRCh37 (hg19) VCF-style: chr12-111885792-T-C.
Other names: c.808T>C, p.Cys270Arg (NM_001291424.1); short protein forms C472R, C270R.
Identifiers: ClinVar variation 3795256 (VCV003795256.2).

ClinVar aggregate classification (germline): Uncertain significance (1 of 4 stars; one submission).

Conditions:
Inborn genetic diseases. Identifiers: MedGen C0950123, MeSH D030342.

gnomAD v4.1: 1 of 1,606,272 alleles (0.000062%); highest among the groups gnomAD compares: Admixed American, 0.0017%; no homozygotes.

Submission:

Ambry Genetics
Classification: Uncertain significance for Inborn genetic diseases. Last evaluated: 2025-06-06. Review status: criteria provided, single submitter. Criteria: Ambry Variant Classification Scheme 2023. Collection method: clinical testing. Allele origin: germline.
Comment: The p.C472R variant (also known as c.1414T>C), located in coding exon 7 of the SH2B3 gene, results from a T to C substitution at nucleotide position 1414. The cysteine at codon 472 is replaced by arginine, an amino acid with highly dissimilar properties. This amino acid position is conserved. In addition, this alteration is predicted to be tolerated by in silico analysis. Based on the available evidence, the clinical significance of this variant remains unclear.